The following is an entry in ClinVar:

NM_032830.3(UTP4):c.724A>G (p.Ile242Val)

Gene: UTP4 (UTP4 small subunit processome component). Cytogenetic location: 16q22.1.
Variant type: single nucleotide variant.
Coding change: c.724A>G on transcript NM_032830.3 (MANE Select); coding-DNA position 724, A replaced by G.
Protein change: p.Ile242Val; replaces isoleucine 242 with valine.
Molecular consequence: missense variant.
Genome position (GRCh38, 1-based): chr16:69,143,375, A>G. VCF-style: chr16-69143375-A-G. GRCh37 (hg19) VCF-style: chr16-69177278-A-G.
Other names: c.475A>G, p.Ile159Val (NM_001318391.2); short protein forms I159V, I242V.
Identifiers: ClinVar variation 4981958 (VCV004981958.1).

ClinVar aggregate classification (germline): Uncertain significance (1 of 4 stars; one submission).

Conditions:
UTP4-related disorder. Also called: UTP4-related condition.

gnomAD v4.1: 3 of 1,614,074 alleles (0.00019%); highest among the groups gnomAD compares: Non-Finnish European, 0.00025%; no homozygotes.

Submission:

PreventionGenetics, part of Exact Sciences
Classification: Uncertain significance for UTP4-related condition. Last evaluated: 2025-08-07. Review status: criteria provided, single submitter. Criteria: ACMG Guidelines, 2015. Collection method: clinical testing. Allele origin: germline.
Comment: The UTP4 c.724A>G variant is predicted to result in the amino acid substitution p.Ile242Val. To our knowledge, this variant has not been reported in the literature or in a large population database (gnomAD), indicating this variant is rare. At this time, the clinical significance of this variant is uncertain due to the absence of conclusive functional and genetic evidence.